The following is an entry in ClinVar:

NM_025215.6(PUS1):c.406A>T (p.Lys136Ter)

Genes: PUS1 (pseudouridine synthase 1; plus strand), LOC132090059 (Neanderthal introgressed variant-containing enhancer experimental_25941; plus strand). Cytogenetic location: 12q24.33.
Variant type: single nucleotide variant.
Coding change: c.406A>T on transcript NM_025215.6 (MANE Select); coding-DNA position 406, A replaced by T.
Protein change: p.Lys136Ter; replaces lysine 136 with a stop codon.
Molecular consequence: nonsense.
Genome position (GRCh38, 1-based): chr12:131,932,277, A>T. VCF-style: chr12-131932277-A-T. GRCh37 (hg19) VCF-style: chr12-132416822-A-T.
Other names: c.322A>T, p.Lys108Ter (NM_001002019.3, NM_001002020.3); short protein forms K108*, K136*.
Identifiers: ClinVar variation 3642884 (VCV003642884.2).

ClinVar aggregate classification (germline): Pathogenic (1 of 4 stars; one submission).

Submission:

Labcorp Genetics (formerly Invitae), Labcorp
Classification: Pathogenic. Last evaluated: 2024-02-23. Review status: criteria provided, single submitter. Criteria: Invitae Variant Classification Sherloc (09022015). Collection method: clinical testing. Allele origin: germline.
Comment: This sequence change creates a premature translational stop signal (p.Lys136*) in the PUS1 gene. It is expected to result in an absent or disrupted protein product. Loss-of-function variants in PUS1 are known to be pathogenic (PMID: 17056637, 19731322, 25058219, 26556812). This variant is not present in population databases (gnomAD no frequency). This variant has not been reported in the literature in individuals affected with PUS1-related conditions. Algorithms developed to predict the effect of sequence changes on RNA splicing suggest that this variant may disrupt the consensus splice site. For these reasons, this variant has been classified as Pathogenic.

Literature cited by the submitters: PubMed 17056637; PubMed 19731322; PubMed 25058219; PubMed 26556812.